The following is an entry in ClinVar:

ClinVar aggregate classification (germline): Uncertain significance. Review status: criteria provided, multiple submitters, no conflicts (2 of 4 stars). 2 submissions from 2 submitters: Uncertain significance (2). Last evaluated 2025-12-24.

Conditions:
Neurofibromatosis, type 1 (NF1). Also called: VON RECKLINGHAUSEN DISEASE; NEUROFIBROMATOSIS, TYPE I, SOMATIC; Peripheral type neurofibromatosis; Neurofibromatosis, type I. Identifiers: Orphanet 636, MedGen C0027831, MONDO:0018975, OMIM 162200. Disease mechanism: loss of function.
Cardiovascular phenotype. Identifiers: MedGen CN230736.
Hereditary cancer-predisposing syndrome. Also called: Hereditary neoplastic syndrome; Tumor predisposition; Neoplastic Syndromes, Hereditary; Hereditary Cancer Syndrome. Identifiers: Orphanet 140162, MedGen C0027672, MeSH D009386, MONDO:0015356.

Allele frequency attached by ClinVar (database versions not stated): TOPMed below 0.00001; gnomAD 0.00001.
gnomAD v4.1: 5 of 1,613,822 alleles (0.00031%); highest among the groups gnomAD compares: East Asian, 0.0045%; no homozygotes.

Submissions (2):

Labcorp Genetics (formerly Invitae), Labcorp
Classification: Uncertain significance for Neurofibromatosis, type 1. Last evaluated: 2025-12-24. Review status: criteria provided, single submitter. Criteria: Invitae Variant Classification Sherloc (09022015). Collection method: clinical testing. Allele origin: germline.
Comment: This sequence change replaces aspartic acid, which is acidic and polar, with valine, which is neutral and non-polar, at codon 283 of the NF1 protein (p.Asp283Val). This variant is not present in population databases (gnomAD no frequency). This variant has not been reported in the literature in individuals affected with NF1-related conditions. ClinVar contains an entry for this variant (Variation ID: 950631). Invitae Evidence Modeling of protein sequence and biophysical properties (such as structural, functional, and spatial information, amino acid conservation, physicochemical variation, residue mobility, and thermodynamic stability) indicates that this missense variant is not expected to disrupt NF1 protein function with a negative predictive value of 95%. In summary, the available evidence is currently insufficient to determine the role of this variant in disease. Therefore, it has been classified as a Variant of Uncertain Significance.

Ambry Genetics
Classification: Uncertain significance for Cardiovascular phenotype; Hereditary cancer-predisposing syndrome. Last evaluated: 2024-01-02. Review status: criteria provided, single submitter. Criteria: Ambry Variant Classification Scheme 2023. Collection method: clinical testing. Allele origin: germline.
Comment: The p.D283V variant (also known as c.848A>T), located in coding exon 8 of the NF1 gene, results from an A to T substitution at nucleotide position 848. The aspartic acid at codon 283 is replaced by valine, an amino acid with highly dissimilar properties. This amino acid position is well conserved in available vertebrate species. In addition, the in silico prediction for this alteration is inconclusive. Since supporting evidence is limited at this time, the clinical significance of this alteration remains unclear.

NM_001042492.3(NF1):c.848A>T (p.Asp283Val)

Gene: NF1 (neurofibromin 1; plus strand). Cytogenetic location: 17q11.2.
Variant type: single nucleotide variant.
Coding change: c.848A>T on transcript NM_001042492.3 (MANE Select); coding-DNA position 848, A replaced by T.
Protein change: p.Asp283Val; replaces aspartic acid 283 with valine.
Molecular consequence: missense variant.
Genome position (GRCh38, 1-based): chr17:31,182,625, A>T. VCF-style: chr17-31182625-A-T. GRCh37 (hg19) VCF-style: chr17-29509643-A-T.
Other names: c.848A>T, p.Asp283Val (NM_000267.4, NM_001128147.3); short protein forms D283V.
Identifiers: ClinVar variation 950631 (VCV000950631.7), dbSNP rs878853921, ClinGen allele CA398991115.
Genomic context (GRCh38, chr17:31,182,625, plus strand): 5'-AAGCAGCAGTTTGGCCACTACAAATCATTCTCCTTATCTTGTGTCCAGAAATAATCCAGG[A>T]TATATCCAAAGACGTGGTTGATGAAAACAACATGAATAAGGTAAGGAGGGCAAAATTATT-3'
Protein context (NP_001035957.1, residues 273-293): LLILCPEIIQ[Asp283Val]ISKDVVDENN